The following is an entry in ClinVar:

NM_000051.4(ATM):c.4493T>G (p.Leu1498Ter)

Gene: ATM (ATM serine/threonine kinase; plus strand). Cytogenetic location: 11q22.3.
Variant type: single nucleotide variant.
Coding change: c.4493T>G on transcript NM_000051.4 (MANE Select); coding-DNA position 4493, T replaced by G.
Protein change: p.Leu1498Ter; replaces leucine 1498 with a stop codon.
Molecular consequence: nonsense.
Genome position (GRCh38, 1-based): chr11:108,292,675, T>G. VCF-style: chr11-108292675-T-G. GRCh37 (hg19) VCF-style: chr11-108163402-T-G.
Other names: c.4493T>G, p.Leu1498Ter (NM_001351834.2); short protein forms L1498*.
Identifiers: ClinVar variation 453523 (VCV000453523.11), dbSNP rs1329359780, ClinGen allele CA382533389.

ClinVar aggregate classification (germline): Pathogenic. Review status: criteria provided, multiple submitters, no conflicts (2 of 4 stars). 3 submissions from 3 submitters: Pathogenic (3). Last evaluated 2026-03-20.

Conditions:
Hereditary cancer-predisposing syndrome. Also called: Hereditary Cancer Syndrome; Tumor predisposition; Hereditary neoplastic syndrome; Neoplastic Syndromes, Hereditary. Identifiers: Orphanet 140162, MedGen C0027672, MeSH D009386, MONDO:0015356.
Familial cancer of breast. Also called: Hereditary breast cancer; BREAST CANCER, FAMILIAL; hereditary breast carcinoma. Identifiers: Orphanet 227535, MedGen C0346153, MONDO:0016419, OMIM 114480. Disease mechanism: loss of function.
Ataxia-telangiectasia syndrome (AT). Also called: Ataxia telangiectasia (A-T); Cerebello-oculocutaneous telangiectasia; Immunodeficiency with ataxia telangiectasia; LOUIS-BAR SYNDROME; ATAXIA-TELANGIECTASIA, COMPLEMENTATION GROUP A; ATAXIA-TELANGIECTASIA, FRESNO VARIANT. Identifiers: Orphanet 100, MedGen C0004135, MONDO:0008840, OMIM 208900.

Allele frequency attached by ClinVar (database versions not stated): gnomAD exomes below 0.00001.

Submissions (3):

Ambry Genetics
Classification: Pathogenic for Hereditary cancer-predisposing syndrome. Last evaluated: 2026-03-20. Review status: criteria provided, single submitter. Criteria: Ambry Variant Classification Scheme 2023. Collection method: clinical testing. Allele origin: germline.
Comment: The p.L1498* pathogenic mutation (also known as c.4493T>G), located in coding exon 29 of the ATM gene, results from a T to G substitution at nucleotide position 4493. This changes the amino acid from a leucine to a stop codon within coding exon 29. This variant is considered to be rare based on population cohorts in the Genome Aggregation Database (gnomAD). This alteration is expected to result in loss of function by premature protein truncation or nonsense-mediated mRNA decay. As such, this alteration is interpreted as a disease-causing mutation.

Labcorp Genetics (formerly Invitae), Labcorp
Classification: Pathogenic for Ataxia-telangiectasia syndrome. Last evaluated: 2024-12-31. Review status: criteria provided, single submitter. Criteria: Invitae Variant Classification Sherloc (09022015). Collection method: clinical testing. Allele origin: germline.
Comment: This sequence change creates a premature translational stop signal (p.Leu1498*) in the ATM gene. It is expected to result in an absent or disrupted protein product. Loss-of-function variants in ATM are known to be pathogenic (PMID: 23807571, 25614872). This variant is present in population databases (no rsID available, gnomAD 0.0009%). This variant has not been reported in the literature in individuals affected with ATM-related conditions. ClinVar contains an entry for this variant (Variation ID: 453523). For these reasons, this variant has been classified as Pathogenic.

Myriad Genetics, Inc.
Classification: Pathogenic for Familial cancer of breast. Last evaluated: 2024-01-24. Review status: criteria provided, single submitter. Criteria: Myriad Autosomal Dominant, Autosomal Recessive and X-Linked Classification Criteria (2023). Collection method: clinical testing. Allele origin: unknown.
Comment: This variant is considered pathogenic. This variant creates a termination codon and is predicted to result in premature protein truncation.

Literature cited by the submitters: PubMed 23807571 (cited by Labcorp Genetics (formerly Invitae), Labcorp); PubMed 25614872 (cited by Labcorp Genetics (formerly Invitae), Labcorp).